The following is an entry in ClinVar:

ClinVar aggregate classification (germline): Uncertain significance. Review status: criteria provided, multiple submitters, no conflicts (2 of 4 stars). 2 submissions from 2 submitters: Uncertain significance (2). Last evaluated 2024-09-02.

Conditions:
Hereditary cancer-predisposing syndrome. Also called: Neoplastic Syndromes, Hereditary; Tumor predisposition; Hereditary Cancer Syndrome; Hereditary neoplastic syndrome. Identifiers: Orphanet 140162, MedGen C0027672, MeSH D009386, MONDO:0015356.
Retinoblastoma (RB1). Also called: RETINOBLASTOMA, SOMATIC. Identifiers: Orphanet 790, MedGen C0035335, MeSH D012175, MONDO:0008380, OMIM 180200, HP:0009919. Disease mechanism: loss of function. Inheritance: Both sporadic and heritable forms are tested..

Submissions (2):

Ambry Genetics
Classification: Uncertain significance for Hereditary cancer-predisposing syndrome. Last evaluated: 2024-09-02. Review status: criteria provided, single submitter. Criteria: Ambry Variant Classification Scheme 2023. Collection method: clinical testing. Allele origin: germline.
Comment: The p.I138T variant (also known as c.413T>C), located in coding exon 4 of the RB1 gene, results from a T to C substitution at nucleotide position 413. The isoleucine at codon 138 is replaced by threonine, an amino acid with similar properties. This amino acid position is conserved. In addition, the in silico prediction for this alteration is inconclusive. Based on the available evidence, the clinical significance of this variant remains unclear.

Labcorp Genetics (formerly Invitae), Labcorp
Classification: Uncertain significance for Retinoblastoma. Last evaluated: 2024-04-22. Review status: criteria provided, single submitter. Criteria: Invitae Variant Classification Sherloc (09022015). Collection method: clinical testing. Allele origin: germline.
Comment: This sequence change replaces isoleucine, which is neutral and non-polar, with threonine, which is neutral and polar, at codon 138 of the RB1 protein (p.Ile138Thr). This variant is not present in population databases (gnomAD no frequency). This variant has not been reported in the literature in individuals affected with RB1-related conditions. Advanced modeling of protein sequence and biophysical properties (such as structural, functional, and spatial information, amino acid conservation, physicochemical variation, residue mobility, and thermodynamic stability) performed at Invitae indicates that this missense variant is not expected to disrupt RB1 protein function with a negative predictive value of 80%. In summary, the available evidence is currently insufficient to determine the role of this variant in disease. Therefore, it has been classified as a Variant of Uncertain Significance.

NM_000321.3(RB1):c.413T>C (p.Ile138Thr)

Gene: RB1 (RB transcriptional corepressor 1; plus strand). Cytogenetic location: 13q14.2.
Variant type: single nucleotide variant.
Coding change: c.413T>C on transcript NM_000321.3 (MANE Select); coding-DNA position 413, T replaced by C.
Protein change: p.Ile138Thr; replaces isoleucine 138 with threonine.
Molecular consequence: missense variant.
Genome position (GRCh38, 1-based): chr13:48,345,112, T>C. VCF-style: chr13-48345112-T-C. GRCh37 (hg19) VCF-style: chr13-48919248-T-C.
Other names: c.413T>C, p.Ile138Thr (NM_001407165.1, NM_001407166.1); short protein forms I138T.
Identifiers: ClinVar variation 3430881 (VCV003430881.3).